The following is an entry in ClinVar:

NM_033028.5(BBS4):c.281del (p.Ala94fs)

Gene: BBS4 (Bardet-Biedl syndrome 4; plus strand). Cytogenetic location: 15q24.1.
Variant type: Deletion.
Coding change: c.281del on transcript NM_033028.5 (MANE Select); coding-DNA position 281, one base deleted (C; older notation c.281delC).
Protein change: p.Ala94fs; shifts the reading frame from alanine 94.
Molecular consequence: frameshift variant. On other transcripts: 5 prime UTR variant (1), non-coding transcript variant (2).
Genome position (GRCh38, 1-based): chr15:72,715,351, C deleted. VCF-style (leftmost placement, unchanged base first): chr15-72715350-GC-G. GRCh37 (hg19) VCF-style: chr15-73007691-GC-G.
Other names: c.-241del (NM_001252678.2); c.281del, p.Ala94fs (NM_001320665.2); short protein forms A94fs.
Identifiers: ClinVar variation 1076608 (VCV001076608.7), dbSNP rs2151023363, ClinGen allele CA2499223086.

ClinVar aggregate classification (germline): Pathogenic (1 of 4 stars; one submission).

Conditions:
Bardet-Biedl syndrome (BBS). Identifiers: Orphanet 110, MedGen C0752166, MONDO:0015229.

Submission:

Labcorp Genetics (formerly Invitae), Labcorp
Classification: Pathogenic for Bardet-Biedl syndrome. Last evaluated: 2022-02-18. Review status: criteria provided, single submitter. Criteria: Invitae Variant Classification Sherloc (09022015). Collection method: clinical testing. Allele origin: germline.
Comment: This sequence change creates a premature translational stop signal (p.Ala94Glufs*48) in the BBS4 gene. It is expected to result in an absent or disrupted protein product. Loss-of-function variants in BBS4 are known to be pathogenic (PMID: 11381270, 12016587, 20177705, 27894351). For these reasons, this variant has been classified as Pathogenic. Algorithms developed to predict the effect of sequence changes on RNA splicing suggest that this variant may disrupt the consensus splice site. ClinVar contains an entry for this variant (Variation ID: 1076608). This variant has not been reported in the literature in individuals affected with BBS4-related conditions. This variant is not present in population databases (gnomAD no frequency).

Literature cited by the submitters: PubMed 11381270; PubMed 12016587; PubMed 20177705; PubMed 27894351.